The following is an entry in ClinVar:

ClinVar aggregate classification (germline): Uncertain significance (1 of 4 stars; one submission).

Conditions:
Hereditary spastic paraplegia 11. Also called: Spastic paraplegia, mental retardation and thin corpus callosum; SPASTIC PARAPLEGIA, AUTOSOMAL RECESSIVE, COMPLICATED, WITH THIN CORPUS CALLOSUM; SPASTIC PARAPLEGIA, AUTOSOMAL RECESSIVE, WITH MENTAL IMPAIRMENT AND THIN CORPUS CALLOSUM; Spastic Paraplegia 11; Nakamura Osame syndrome; Autosomal recessive hereditary spastic paraplegia, mental impairment, and thin corpus callosum. Identifiers: Orphanet 2822, MedGen C1858479, MONDO:0011445, OMIM 604360.

Submission:

Labcorp Genetics (formerly Invitae), Labcorp
Classification: Uncertain significance for Hereditary spastic paraplegia 11. Last evaluated: 2022-07-05. Review status: criteria provided, single submitter. Criteria: Invitae Variant Classification Sherloc (09022015). Collection method: clinical testing. Allele origin: germline.
Comment: This variant, c.5571_5572insTCT, results in the insertion of 1 amino acid(s) of the SPG11 protein (p.Leu1857_Asn1858insSer), but otherwise preserves the integrity of the reading frame. This variant is not present in population databases (gnomAD no frequency). This variant has not been reported in the literature in individuals affected with SPG11-related conditions. ClinVar contains an entry for this variant (Variation ID: 1516385). In summary, the available evidence is currently insufficient to determine the role of this variant in disease. Therefore, it has been classified as a Variant of Uncertain Significance.

NM_025137.4(SPG11):c.5571_5572insTCT (p.Leu1857_Asn1858insSer)

Gene: SPG11 (SPG11 vesicle trafficking associated, spatacsin; minus strand). Cytogenetic location: 15q21.1.
Variant type: Insertion.
Coding change: c.5571_5572insTCT on transcript NM_025137.4 (MANE Select); coding-DNA positions 5571 to 5572, TCT inserted.
Protein change: p.Leu1857_Asn1858insSer.
Molecular consequence: inframe insertion.
Genome position: GRCh38 VCF-style: chr15-44584108-T-TAGA. GRCh37 (hg19) VCF-style: chr15-44876306-T-TAGA.
Other names: c.5571_5572insTCT, p.Leu1857_Asn1858insSer (NM_001160227.2).
Identifiers: ClinVar variation 1516385 (VCV001516385.3), dbSNP rs1185237931, ClinGen allele CA713068305.
Genomic context (GRCh38, chr15:44,584,108, plus strand): 5'-GTGACTCCTGCTCTTTCCAATCCAATCTATTCTCGCATGTCTCTTTGGATGGAAGGCTGT[T>TAGA]AAGTTCTAAGTATTTTGATGTGTTCAGAGCAGCCAACTTGGAGAAGGAAAACTCACTGGC-3'